The following is an entry in ClinVar:

NM_000525.4(KCNJ11):c.825_842del (p.His276_Leu281del)

Gene: KCNJ11 (potassium inwardly rectifying channel subfamily J member 11; minus strand). Cytogenetic location: 11p15.1.
Variant type: Deletion.
Coding change: c.825_842del on transcript NM_000525.4 (MANE Select); coding-DNA positions 825 to 842, 18 bases deleted (GCACCACCACCAGGACCT).
Protein change: p.His276_Leu281del.
Molecular consequence: inframe deletion.
Genome position (GRCh38, 1-based): chr11:17,387,250-17,387,267, AGGTCCTGGTGGTGGTGC deleted on the plus strand (GCACCACCACCAGGACCT on the coding strand, the reverse complement: KCNJ11 is on the minus strand); deleting any 18 consecutive bases within chr11:17,387,250-17,387,272 gives the same sequence; the c. name uses the placement nearest the transcript's 3' end. VCF-style (leftmost placement, unchanged base first): chr11-17387249-GAGGTCCTGGTGGTGGTGC-G. GRCh37 (hg19) VCF-style: chr11-17408796-GAGGTCCTGGTGGTGGTGC-G.
Other names: c.564_581del, p.His189_Leu194del (NM_001166290.2, NM_001377296.1, NM_001377297.1).
Identifiers: ClinVar variation 2641642 (VCV002641642.24), dbSNP rs2496408862, ClinGen allele CA2695201085.
Genomic context (GRCh38, chr11:17,387,249, plus strand): 5'-GCGGGCCTGGGTGGTGATGCCCGTGGTTTCCACCACGCCTTCCAGGATGACGATGATCTC[GAGGTCCTGGTGGTGGTGC>G]AGGTCGCTGGGTGCCAGGTCGTAGAGTGGGCTGTTGGCATCAATGACATGGTAGATGATC-3'

ClinVar aggregate classification (germline): Uncertain significance (1 of 4 stars; one submission).

Submission:

CeGaT Center for Human Genetics Tuebingen
Classification: Uncertain significance. Last evaluated: 2022-11-01. Review status: criteria provided, single submitter. Criteria: CeGaT Center For Human Genetics Tuebingen Variant Classification Criteria Version 2. Collection method: clinical testing. Allele origin: germline. Affected: yes. Observed: 1 variant allele.
Comment: KCNJ11: PM2